The following is an entry in ClinVar:

NM_032043.3(BRIP1):c.1069G>A (p.Glu357Lys)

Gene: BRIP1 (BRCA1 interacting DNA helicase 1; minus strand). Cytogenetic location: 17q23.2.
Variant type: single nucleotide variant.
Coding change: c.1069G>A on transcript NM_032043.3 (MANE Select); coding-DNA position 1069, G replaced by A.
Protein change: p.Glu357Lys; replaces glutamic acid 357 with lysine.
Molecular consequence: missense variant.
Genome position (GRCh38, 1-based): chr17:61,801,324, C>T on the plus strand (G>A on the coding strand, the complement: BRIP1 is on the minus strand). VCF-style: chr17-61801324-C-T. GRCh37 (hg19) VCF-style: chr17-59878685-C-T.
Other names: short protein forms E357K.
Identifiers: ClinVar variation 575144 (VCV000575144.7), dbSNP rs769081927, ClinGen allele CA400484001.

ClinVar aggregate classification (germline): Uncertain significance (1 of 4 stars; one submission).

Conditions:
Fanconi anemia complementation group J. Also called: BRIP1-Related Fanconi Anemia. Identifiers: Orphanet 84, MedGen C1836860, MONDO:0012187, OMIM 609054.
Familial cancer of breast. Also called: hereditary breast carcinoma; BREAST CANCER, FAMILIAL; Hereditary breast cancer. Identifiers: Orphanet 227535, MedGen C0346153, MONDO:0016419, OMIM 114480. Disease mechanism: loss of function.

Submission:

Labcorp Genetics (formerly Invitae), Labcorp
Classification: Uncertain significance for Familial cancer of breast; Fanconi anemia complementation group J. Last evaluated: 2021-09-01. Review status: criteria provided, single submitter. Criteria: Invitae Variant Classification Sherloc (09022015). Collection method: clinical testing. Allele origin: germline.
Comment: This sequence change replaces glutamic acid with lysine at codon 357 of the BRIP1 protein (p.Glu357Lys). The glutamic acid residue is highly conserved and there is a small physicochemical difference between glutamic acid and lysine. This variant is not present in population databases (ExAC no frequency). This variant has not been reported in the literature in individuals affected with BRIP1-related conditions. Algorithms developed to predict the effect of missense changes on protein structure and function are either unavailable or do not agree on the potential impact of this missense change (SIFT: "Tolerated"; PolyPhen-2: "Probably Damaging"; Align-GVGD: "Class C0"). In summary, the available evidence is currently insufficient to determine the role of this variant in disease. Therefore, it has been classified as a Variant of Uncertain Significance.